The following is an entry in ClinVar:

NM_001283009.2(RTEL1):c.349T>C (p.Ser117Pro)

Genes: RTEL1 (regulator of telomere elongation helicase 1; plus strand), RTEL1-TNFRSF6B (RTEL1-TNFRSF6B readthrough (NMD candidate); plus strand). Cytogenetic location: 20q13.33.
Variant type: single nucleotide variant.
Coding change: c.349T>C on transcript NM_001283009.2 (MANE Select); coding-DNA position 349, T replaced by C.
Protein change: p.Ser117Pro; replaces serine 117 with proline.
Molecular consequence: missense variant. On other transcripts: non-coding transcript variant (1), 5 prime UTR variant (1).
Genome position (GRCh38, 1-based): chr20:63,661,897, T>C. VCF-style: chr20-63661897-T-C. GRCh37 (hg19) VCF-style: chr20-62293250-T-C.
Other names: c.-321T>C (NM_001283010.1); c.349T>C, p.Ser117Pro (NM_016434.4, NM_032957.5); short protein forms S117P.
Identifiers: ClinVar variation 3948290 (VCV003948290.1).
Genomic context (GRCh38, chr20:63,661,897, plus strand): 5'-TGTGTCTGGTCAGCTTGCTACACGGACATCCCAAAGATTATTTACGCCTCCAGGACCCAC[T>C]CGCAACTCACACAGGTCATCAACGAGCTTCGGAACACCTCCTACCGGTGGGTCAGACGAG-3'
Protein context (NP_001269938.1, residues 107-127): PKIIYASRTH[Ser117Pro]QLTQVINELR

ClinVar aggregate classification (germline): Uncertain significance (1 of 4 stars; one submission).

Conditions:
Inborn genetic diseases. Identifiers: MedGen C0950123, MeSH D030342.

Submission:

Ambry Genetics
Classification: Uncertain significance for Inborn genetic diseases. Last evaluated: 2025-04-03. Review status: criteria provided, single submitter. Criteria: Ambry Variant Classification Scheme 2023. Collection method: clinical testing. Allele origin: germline.
Comment: The p.S117P variant (also known as c.349T>C), located in coding exon 3 of the RTEL1 gene, results from a T to C substitution at nucleotide position 349. The serine at codon 117 is replaced by proline, an amino acid with similar properties. This amino acid position is conserved. In addition, this alteration is predicted to be deleterious by in silico analysis. Based on the available evidence, the clinical significance of this variant remains unclear.